The following is an entry in ClinVar:

NM_052947.4(ALPK2):c.6023T>C (p.Val2008Ala)

Gene: ALPK2 (alpha kinase 2; minus strand). Cytogenetic location: 18q21.31.
Variant type: single nucleotide variant.
Coding change: c.6023T>C on transcript NM_052947.4 (MANE Select); coding-DNA position 6023, T replaced by C.
Protein change: p.Val2008Ala; replaces valine 2008 with alanine.
Molecular consequence: missense variant.
Genome position (GRCh38, 1-based): chr18:58,514,999, A>G on the plus strand (T>C on the coding strand, the complement: ALPK2 is on the minus strand). VCF-style: chr18-58514999-A-G. GRCh37 (hg19) VCF-style: chr18-56182231-A-G.
Other names: short protein forms V2008A.
Identifiers: ClinVar variation 1751139 (VCV001751139.2), dbSNP rs1223433068, ClinGen allele CA402546156.
Genomic context (GRCh38, chr18:58,514,999, plus strand): 5'-TCCTAGTCCCCAACGAGTCAGGAGTGTGACACAAGGCAGGGTAAACACACTTACTCAGGT[A>G]CTTCTCCAAAGCCTTCCAGAGGCTGTGCTTCAGCAGCGTAGATCTTGGCATAATACCTGG-3'
Protein context (NP_443179.3, residues 1998-2018): EAQPLEGFGE[Val2008Ala]PEIIPIFLIH

ClinVar aggregate classification (germline): Uncertain significance (1 of 4 stars; one submission).

Allele frequency attached by ClinVar (database versions not stated): gnomAD 0.00001.
gnomAD v4.1: 2 of 1,611,734 alleles (0.00012%); highest among the groups gnomAD compares: Non-Finnish European, 0.00017%; no homozygotes.

Submission:

Ambry Genetics
Classification: Uncertain significance. Last evaluated: 2024-03-17. Review status: criteria provided, single submitter. Criteria: Ambry Variant Classification Scheme 2023. Collection method: clinical testing. Allele origin: germline.
Comment: The p.V2008A variant (also known as c.6023T>C), located in coding exon 9 of the ALPK2 gene, results from a T to C substitution at nucleotide position 6023. The valine at codon 2008 is replaced by alanine, an amino acid with similar properties. This amino acid position is conserved. In addition, this alteration is predicted to be tolerated by in silico analysis. Since supporting evidence is limited at this time, the clinical significance of this alteration remains unclear.